The following is an entry in ClinVar:

ClinVar aggregate classification (germline): not provided (0 of 4 stars; one submission).

Conditions:
Gestational diabetes mellitus uncontrolled. Identifiers: MedGen C3532257.

Submission:

Institute of Molecular and Cell Biology, University of Tartu
No classification provided. Condition: Gestational diabetes mellitus uncontrolled. Review status: no classification provided. Collection method: case-control. Allele origin: unknown. Affected: yes. Study: Kasak2014.
Comment: The study aimed to determine the contribution of copy number variants in the genetic etiology of normal and complicated pregnancies. The samples represented (i) maternal blood DNA drawn from healthy pregnant women during 1st or 2nd trimester and (ii) maternal and paternal blood DNA drawn at term pregnancy cases representing normal and complicated gestations (severe preeclampsia, PE; gestational diabetes, GD; small-for-gestational age newborn, SGA; large-for-gestational age newborn, LGA). We performed CNV calling based on genome-wide genotyping dataset (Illumina HumanOmniExpress-24-v1 BeadChip) by applying three algorithms, QuantiSNP, GADA (Genome Alteration Detection Algorithm) and CNstream in parallel. The acquired CNV calls were merged with HD-CNV (Hotspot Detector for Copy Number Variants) program and only the CNVs predicted by at least two programs, were considered in subsequent analysis.

Literature cited by the submitters: PubMed 25666259.

NC_000002.12:g.153845295_154275106dup

Genes: GALNT13 (polypeptide N-acetylgalactosaminyltransferase 13; plus strand), LOC126806381 (BRD4-independent group 4 enhancer GRCh37_chr2:155097618-155098817; plus strand). Cytogenetic location: 2q23.3-24.1.
Variant type: Duplication.
Identifiers: ClinVar variation 156808 (VCV000156808.3).